The following is an entry in ClinVar:

ClinVar aggregate classification (germline): Uncertain significance (1 of 4 stars; one submission).

gnomAD v4.1: 1 of 1,614,194 alleles (0.000062%); highest among the groups gnomAD compares: Non-Finnish European, 0.000085%; no homozygotes.

Submission:

Labcorp Genetics (formerly Invitae), Labcorp
Classification: Uncertain significance. Last evaluated: 2022-02-04. Review status: criteria provided, single submitter. Criteria: Invitae Variant Classification Sherloc (09022015). Collection method: clinical testing. Allele origin: germline.
Comment: In summary, the available evidence is currently insufficient to determine the role of this variant in disease. Therefore, it has been classified as a Variant of Uncertain Significance. Algorithms developed to predict the effect of missense changes on protein structure and function are either unavailable or do not agree on the potential impact of this missense change (SIFT: "Deleterious"; PolyPhen-2: "Probably Damaging"; Align-GVGD: "Class C0"). This variant has not been reported in the literature in individuals affected with EXTL3-related conditions. This variant is not present in population databases (gnomAD no frequency). This sequence change replaces serine, which is neutral and polar, with tyrosine, which is neutral and polar, at codon 871 of the EXTL3 protein (p.Ser871Tyr).

NM_001440.4(EXTL3):c.2612C>A (p.Ser871Tyr)

Gene: EXTL3 (exostosin like glycosyltransferase 3; plus strand). Cytogenetic location: 8p21.1.
Variant type: single nucleotide variant.
Coding change: c.2612C>A on transcript NM_001440.4 (MANE Select); coding-DNA position 2612, C replaced by A.
Protein change: p.Ser871Tyr; replaces serine 871 with tyrosine.
Molecular consequence: missense variant. On other transcripts: non-coding transcript variant (1).
Genome position (GRCh38, 1-based): chr8:28,750,718, C>A. VCF-style: chr8-28750718-C-A. GRCh37 (hg19) VCF-style: chr8-28608235-C-A.
Other names: short protein forms S871Y.
Identifiers: ClinVar variation 1350667 (VCV001350667.6), dbSNP rs1241855800, ClinGen allele CA370850371.